The following is an entry in ClinVar:

ClinVar aggregate classification (germline): Uncertain significance. Review status: criteria provided, multiple submitters, no conflicts (2 of 4 stars). 2 submissions from 2 submitters: Uncertain significance (2). Last evaluated 2025-07-25.

Conditions:
Dilated cardiomyopathy 1D. Identifiers: Orphanet 154, Orphanet 54260, MedGen C1832243, MONDO:0011095, OMIM 601494.
Cardiomyopathy, familial restrictive, 3. Identifiers: Orphanet 75249, MedGen C2676271, MONDO:0012900, OMIM 612422.
Hypertrophic cardiomyopathy 2. Also called: TNNT2-Related Familial Hypertrophic Cardiomyopathy. Identifiers: MedGen C1861864, MONDO:0007266, OMIM 115195.
Cardiomyopathy (CMYO). Also called: Cardiomyopathies. Identifiers: Orphanet 167848, MedGen C0878544, MONDO:0004994, HP:0001638. Inheritance: Various modes of inheritance.

Allele frequency attached by ClinVar (database versions not stated): gnomAD exomes below 0.00001; TOPMed below 0.00001; gnomAD 0.00001.
gnomAD v4.1: 5 of 1,610,206 alleles (0.00031%); highest among the groups gnomAD compares: East Asian, 0.0067%; no homozygotes.

Submissions (2):

Labcorp Genetics (formerly Invitae), Labcorp
Classification: Uncertain significance for Cardiomyopathy, familial restrictive, 3; Hypertrophic cardiomyopathy 2; Dilated cardiomyopathy 1D. Last evaluated: 2025-07-25. Review status: criteria provided, single submitter. Criteria: Invitae Variant Classification Sherloc (09022015). Collection method: clinical testing. Allele origin: germline.
Comment: This sequence change falls in intron 8 of the TNNT2 gene. It does not directly change the encoded amino acid sequence of the TNNT2 protein. This variant is present in population databases (no rsID available, gnomAD 0.01%). This variant has not been reported in the literature in individuals affected with TNNT2-related conditions. ClinVar contains an entry for this variant (Variation ID: 2929346). Algorithms developed to predict the effect of sequence changes on RNA splicing suggest that this variant may disrupt the consensus splice site. In summary, the available evidence is currently insufficient to determine the role of this variant in disease. Therefore, it has been classified as a Variant of Uncertain Significance.

All of Us Research Program, National Institutes of Health
Classification: Uncertain significance for Cardiomyopathy. Last evaluated: 2023-05-04. Review status: criteria provided, single submitter. Criteria: ACMG Guidelines, 2015. Collection method: clinical testing. Allele origin: germline. Inheritance: Autosomal dominant inheritance. Observed: 1 variant allele, 1 heterozygote.
Comment: This variant causes a T to G nucleotide substitution at the -11 position of intron 8 of the TNNT2 gene. To our knowledge, functional studies have not been reported for this variant. This variant has not been reported in individuals affected with TNNT2-related disorders in the literature. This variant has been identified in 2/251344 chromosomes in the general population by the Genome Aggregation Database (gnomAD). The available evidence is insufficient to determine the role of this variant in disease conclusively. Therefore, this variant is classified as a Variant of Uncertain Significance.

This study involves interpretation of variants in research participants for the purpose of population health screening. Participant phenotype was not available at the time of variant classification. Additional details can be found in publication PMID: 35346344, PMCID: PMC8962531

NM_001276345.2(TNNT2):c.295-11T>G

Gene: TNNT2 (troponin T2, cardiac type; minus strand). Cytogenetic location: 1q32.1.
Variant type: single nucleotide variant.
Coding change: c.295-11T>G on transcript NM_001276345.2 (MANE Select); 11 bases into the intron before coding-DNA position 295, T replaced by G.
Molecular consequence: intron variant.
Genome position (GRCh38, 1-based): chr1:201,365,318, A>C on the plus strand (T>G on the coding strand, the complement: TNNT2 is on the minus strand). VCF-style: chr1-201365318-A-C. GRCh37 (hg19) VCF-style: chr1-201334446-A-C.
Other names: c.265-11T>G (NM_001406727.1, NM_001406724.1, NM_001001431.3 and 3 more transcripts); c.250-11T>G (NM_001001432.3, NM_001406728.1); c.262-11T>G (NM_001406725.1); c.291+292T>G (NM_001276346.2); c.295-11T>G (NM_000364.4, NM_001406723.1).
Identifiers: ClinVar variation 2929346 (VCV002929346.4), dbSNP rs1329180923, ClinGen allele CA528092969.